The following is an entry in ClinVar:

NM_001005373.4(LRSAM1):c.2041C>T (p.Arg681Trp)

Gene: LRSAM1 (leucine rich repeat and sterile alpha motif containing 1; plus strand). Cytogenetic location: 9q34.11.
Variant type: single nucleotide variant.
Coding change: c.2041C>T on transcript NM_001005373.4 (MANE Select); coding-DNA position 2041, C replaced by T.
Protein change: p.Arg681Trp; replaces arginine 681 with tryptophan.
Molecular consequence: missense variant. On other transcripts: non-coding transcript variant (2).
Genome position (GRCh38, 1-based): chr9:127,501,138, C>T. VCF-style: chr9-127501138-C-T. GRCh37 (hg19) VCF-style: chr9-130263417-C-T.
Other names: c.2041C>T, p.Arg681Trp (NM_001005374.4, NM_001384142.1, NM_138361.5); c.1960C>T, p.Arg654Trp (NM_001190723.3); c.1942C>T, p.Arg648Trp (NM_001384143.1); c.1252C>T, p.Arg418Trp (NM_001384144.1); short protein forms R681W, R654W, R418W, R648W.
Identifiers: ClinVar variation 580440 (VCV000580440.11), dbSNP rs773899723, ClinGen allele CA5247232.
Genomic context (GRCh38, chr9:127,501,138, plus strand): 5'-CCATCCGCTCCCCCTGCAGAGCTGGAGGTGCAGGCCTCAGAGTGTGTCGTGTGCCTGGAA[C>T]GGGAGGTAAGTCCGGGGCCCTCCCCACCCGCCTGCCCTGCCTGTGGCCACCCTCCTCAAA-3'
Protein context (NP_001005373.1, residues 671-691): QASECVVCLE[Arg681Trp]EAQMIFLNCG

ClinVar aggregate classification (germline): Uncertain significance (1 of 4 stars; one submission).

Conditions:
Charcot-Marie-Tooth disease axonal type 2P. Also called: CHARCOT-MARIE-TOOTH NEUROPATHY, TYPE 2P; CHARCOT-MARIE-TOOTH DISEASE, AXONAL, TYPE 2G; CMT 2G; Charcot-Marie-Tooth Neuropathy Type 2G. Identifiers: Orphanet 300319, Orphanet 99941, MedGen C3280797, MONDO:0013753, OMIM 614436.

Allele frequency attached by ClinVar (database versions not stated): gnomAD 0.00001; gnomAD exomes 0.00001 and 0.00003; TOPMed 0.00001; ExAC 0.00002.
gnomAD v4.1: 23 of 1,612,986 alleles (0.0014%); highest among the groups gnomAD compares: South Asian, 0.018%; no homozygotes.

Submission:

Labcorp Genetics (formerly Invitae), Labcorp
Classification: Uncertain significance for Charcot-Marie-Tooth disease axonal type 2P. Last evaluated: 2022-04-01. Review status: criteria provided, single submitter. Criteria: Invitae Variant Classification Sherloc (09022015). Collection method: clinical testing. Allele origin: germline.
Comment: This variant has not been reported in the literature in individuals affected with LRSAM1-related conditions. In summary, the available evidence is currently insufficient to determine the role of this variant in disease. Therefore, it has been classified as a Variant of Uncertain Significance. Algorithms developed to predict the effect of missense changes on protein structure and function are either unavailable or do not agree on the potential impact of this missense change (SIFT: "Deleterious"; PolyPhen-2: "Possibly Damaging"; Align-GVGD: "Class C0"). ClinVar contains an entry for this variant (Variation ID: 580440). This variant is present in population databases (rs773899723, gnomAD 0.02%). This sequence change replaces arginine, which is basic and polar, with tryptophan, which is neutral and slightly polar, at codon 681 of the LRSAM1 protein (p.Arg681Trp).